The following is an entry in ClinVar:

ClinVar aggregate classification (germline): Uncertain significance (1 of 4 stars; one submission).

Submission:

GeneDx
Classification: Uncertain significance. Last evaluated: 2024-10-21. Review status: criteria provided, single submitter. Criteria: GeneDx Variant Classification Process June 2021. Collection method: clinical testing. Allele origin: germline. Affected: yes.
Comment: Not observed at significant frequency in large population cohorts (gnomAD); In silico analysis indicates that this missense variant does not alter protein structure/function; Has not been previously published as pathogenic or benign to our knowledge

NM_032119.4(ADGRV1):c.6508G>A (p.Ala2170Thr)

Gene: ADGRV1 (adhesion G protein-coupled receptor V1; plus strand). Cytogenetic location: 5q14.3.
Variant type: single nucleotide variant.
Coding change: c.6508G>A on transcript NM_032119.4 (MANE Select); coding-DNA position 6508, G replaced by A.
Protein change: p.Ala2170Thr; replaces alanine 2170 with threonine.
Molecular consequence: missense variant. On other transcripts: non-coding transcript variant (1).
Genome position (GRCh38, 1-based): chr5:90,689,878, G>A. VCF-style: chr5-90689878-G-A. GRCh37 (hg19) VCF-style: chr5-89985695-G-A.
Other names: short protein forms A2170T.
Identifiers: ClinVar variation 3781182 (VCV003781182.1).